The following is an entry in ClinVar:

ClinVar aggregate classification (germline): Conflicting classifications of pathogenicity. Review status: criteria provided, conflicting classifications (1 of 4 stars). 8 submissions from 8 submitters: Uncertain significance (6); Likely benign (2). Last evaluated 2026-09-22.

Conditions:
Aortic aneurysm, familial thoracic 7 (AAT7). Also called: AORTIC DISSECTION, FAMILIAL, WITH OR WITHOUT AORTIC ANEURYSM. Identifiers: MedGen C3151077, MONDO:0013418, OMIM 613780.
Megacystis-microcolon-intestinal hypoperistalsis syndrome 1. Identifiers: MedGen C5542316, MONDO:0100354, OMIM 249210.
Familial thoracic aortic aneurysm and aortic dissection (TAAD). Also called: Thoracic aortic aneurysms and dissections. Identifiers: Orphanet 91387, MedGen C4707243, MONDO:0019625.

Allele frequency attached by ClinVar (database versions not stated): gnomAD 0.00003; gnomAD exomes 0.00009; ExAC 0.00012; 1000 Genomes Project 0.00020; TOPMed 0.00020; ESP Exome Variant Server 0.00023; 1000 Genomes Project 30x 0.00031.
gnomAD v4.1: 224 of 1,614,126 alleles (0.014%); highest among the groups gnomAD compares: Non-Finnish European, 0.018%; no homozygotes.

Submissions (8):

GeneDx
Classification: Uncertain significance. Last evaluated: 2026-09-22. Review status: criteria provided, single submitter. Criteria: GeneDx Variant Classification Process June 2021. Collection method: clinical testing. Allele origin: germline.
Comment: Reported in one case of sudden infant death syndrome (SIDS) who underwent exome analysis; although patient-specific clinical details were not provided, this infant was in a sub-cohort in which other factors may have contributed towards risk (PMID: 28074886); In silico analysis suggests that this missense variant does not alter protein structure/function; This variant is associated with the following publications: (PMID: 28074886)

CeGaT Center for Human Genetics Tuebingen
Classification: Uncertain significance. Last evaluated: 2026-08-01. Review status: criteria provided, single submitter. Criteria: CeGaT Center For Human Genetics Tuebingen Variant Classification Criteria Version 2. Collection method: clinical testing. Allele origin: germline. Affected: yes. Observed: 2 variant alleles.
Comment: MYLK: PM2, BP4

Labcorp Genetics (formerly Invitae), Labcorp
Classification: Uncertain significance for Aortic aneurysm, familial thoracic 7. Last evaluated: 2025-12-20. Review status: criteria provided, single submitter. Criteria: Invitae Variant Classification Sherloc (09022015). Collection method: clinical testing. Allele origin: germline.
Comment: This sequence change replaces arginine, which is basic and polar, with histidine, which is basic and polar, at codon 115 of the MYLK protein (p.Arg115His). This variant is present in population databases (rs141131535, gnomAD 0.02%). This missense change has been observed in individual(s) with sudden infant death syndrome (PMID: 28074886). ClinVar contains an entry for this variant (Variation ID: 493371). Invitae Evidence Modeling of protein sequence and biophysical properties (such as structural, functional, and spatial information, amino acid conservation, physicochemical variation, residue mobility, and thermodynamic stability) indicates that this missense variant is not expected to disrupt MYLK protein function with a negative predictive value of 95%. In summary, the available evidence is currently insufficient to determine the role of this variant in disease. Therefore, it has been classified as a Variant of Uncertain Significance.

Ambry Genetics
Classification: Uncertain significance for Familial thoracic aortic aneurysm and aortic dissection. Last evaluated: 2025-12-11. Review status: criteria provided, single submitter. Criteria: Ambry Variant Classification Scheme 2023. Collection method: clinical testing. Allele origin: germline.
Comment: The p.R115H variant (also known as c.344G>A), located in coding exon 2 of the MYLK gene, results from a G to A substitution at nucleotide position 344. The arginine at codon 115 is replaced by histidine, an amino acid with highly similar properties. This amino acid position is well conserved in available vertebrate species. In addition, this alteration is predicted to be tolerated by in silico analysis. Since supporting evidence is limited at this time, the clinical significance of this alteration remains unclear.

Women's Health and Genetics/Laboratory Corporation of America, LabCorp
Classification: Likely benign. Last evaluated: 2024-04-01. Review status: criteria provided, single submitter. Criteria: LabCorp Variant Classification Summary - May 2015. Collection method: clinical testing. Allele origin: germline.
Comment: Variant summary: MYLK c.344G>A (p.Arg115His) results in a non-conservative amino acid change in the encoded protein sequence. Four of five in-silico tools predict a damaging effect of the variant on protein function. The variant allele was found at a frequency of 8.8e-05 in 251258 control chromosomes. The observed variant frequency is approximately 2-fold of the estimated maximal expected allele frequency for a pathogenic variant in MYLK causing Thoracic Aortic Aneurysms And Dissections phenotype (5e-05), strongly suggesting that the variant is benign. c.344G>A has been reported in an infant affected with Sudden infant death syndrome (example: Neubauer_2017). These report(s) do not provide unequivocal conclusions about association of the variant with Thoracic Aortic Aneurysms And Dissections. To our knowledge, no experimental evidence demonstrating an impact on protein function has been reported. The following publication have been ascertained in the context of this evaluation (PMID: 28074886). ClinVar contains an entry for this variant (Variation ID: 493371). Based on the evidence outlined above, the variant was classified as likely benign.

Blueprint Genetics
Classification: Likely benign. Last evaluated: 2024-03-15. Review status: criteria provided, single submitter. Criteria: ACMG Guidelines, 2015. Collection method: clinical testing. Allele origin: germline.

Department of Pathology and Laboratory Medicine, Sinai Health System
Classification: Uncertain significance for Megacystis-microcolon-intestinal hypoperistalsis syndrome 1; Aortic aneurysm, familial thoracic 7. Last evaluated: 2022-10-19. Review status: criteria provided, single submitter. Criteria: ACMG Guidelines, 2015. Collection method: research. Allele origin: germline.

Baylor Genetics
Classification: Uncertain significance for Aortic aneurysm, familial thoracic 7. Last evaluated: 2020-07-09. Review status: criteria provided, single submitter. Criteria: ACMG Guidelines, 2015. Collection method: clinical testing. Allele origin: unknown. Affected: yes.
Comment: This variant was determined to be of uncertain significance according to ACMG Guidelines, 2015 [PMID:25741868].

Literature cited by the submitters: PubMed 28074886 (cited by Labcorp Genetics (formerly Invitae), Labcorp and Women's Health and Genetics/Laboratory Corporation of America, LabCorp).

NM_053025.4(MYLK):c.344G>A (p.Arg115His)

Gene: MYLK (myosin light chain kinase; minus strand). Cytogenetic location: 3q21.1.
Variant type: single nucleotide variant.
Coding change: c.344G>A on transcript NM_053025.4 (MANE Select); coding-DNA position 344, G replaced by A.
Protein change: p.Arg115His; replaces arginine 115 with histidine.
Molecular consequence: missense variant. On other transcripts: intron variant (1).
Genome position (GRCh38, 1-based): chr3:123,752,360, C>T on the plus strand (G>A on the coding strand, the complement: MYLK is on the minus strand). VCF-style: chr3-123752360-C-T. GRCh37 (hg19) VCF-style: chr3-123471207-C-T.
Other names: c.344G>A, p.Arg115His (NM_053026.4, NM_053027.4, NM_053028.4); c.-155-12359G>A (NM_001321309.2); short protein forms R115H.
Identifiers: ClinVar variation 493371 (VCV000493371.63), dbSNP rs141131535, ClinGen allele CA069990.